The following is an entry in ClinVar:

NM_006348.5(COG5):c.*293T>C

Gene: COG5 (component of oligomeric golgi complex 5; minus strand). Cytogenetic location: 7q22.3.
Variant type: single nucleotide variant.
Coding change: c.*293T>C on transcript NM_006348.5 (MANE Select); 293 bases downstream of the stop codon, T replaced by C.
Molecular consequence: 3 prime UTR variant.
Genome position (GRCh38, 1-based): chr7:107,203,223, A>G on the plus strand (T>C on the coding strand, the complement: COG5 is on the minus strand). VCF-style: chr7-107203223-A-G. GRCh37 (hg19) VCF-style: chr7-106843668-A-G.
Other names: c.*293T>C (NM_001379511.1, NM_001379512.1, NM_001379513.1 and 4 more transcripts).
Identifiers: ClinVar variation 358447 (VCV000358447.5), dbSNP rs6958494, ClinGen allele CA10627876.

ClinVar aggregate classification (germline): Likely benign (1 of 4 stars; one submission).

Conditions:
COG5-congenital disorder of glycosylation. Also called: CONGENITAL DISORDER OF GLYCOSYLATION, TYPE IIi; CDG IIi; COG5-CDG. Identifiers: Orphanet 263487, MedGen C3150876, MONDO:0013325, OMIM 613612.

Allele frequency attached by ClinVar (database versions not stated): gnomAD exomes 0.00059; gnomAD 0.00543 and 0.00577; TOPMed 0.00597; 1000 Genomes Project 0.00779; 1000 Genomes Project 30x 0.00812.
gnomAD v4.1: 977 of 425,370 alleles (0.23%); highest among the groups gnomAD compares: African/African-American, 1.9%; 11 homozygotes.

Submission:

Illumina Laboratory Services, Illumina
Classification: Likely benign for COG5-congenital disorder of glycosylation. Last evaluated: 2018-01-13. Review status: criteria provided, single submitter. Criteria: ICSL Variant Classification Criteria 13 December 2019. Collection method: clinical testing. Allele origin: germline.
Comment: This variant was observed in the ICSL laboratory as part of a predisposition screen in an ostensibly healthy population. It had not been previously curated by ICSL or reported in the Human Gene Mutation Database (HGMD: prior to June 1st, 2018), and was therefore a candidate for classification through an automated scoring system. Utilizing variant allele frequency, disease prevalence and penetrance estimates, and inheritance mode, an automated score was calculated to assess if this variant is too frequent to cause the disease. Based on the score and internal cut-off values, a variant classified as likely benign is not then subjected to further curation. The score for this variant resulted in a classification of likely benign for this disease.